The following is an entry in ClinVar:

NM_001276345.2(TNNT2):c.412-200G>A

Gene: TNNT2 (troponin T2, cardiac type; minus strand). Cytogenetic location: 1q32.1.
Variant type: single nucleotide variant.
Coding change: c.412-200G>A on transcript NM_001276345.2 (MANE Select); 200 bases into the intron before coding-DNA position 412, G replaced by A.
Molecular consequence: intron variant.
Genome position (GRCh38, 1-based): chr1:201,364,575, C>T on the plus strand (G>A on the coding strand, the complement: TNNT2 is on the minus strand). VCF-style: chr1-201364575-C-T. GRCh37 (hg19) VCF-style: chr1-201333703-C-T.
Other names: c.367-200G>A (NM_001001432.3); c.382-200G>A (NM_001001431.3, NM_001001430.3, NM_001276347.2); c.292-200G>A (NM_001276346.2); c.412-200G>A (NM_000364.4).
Identifiers: ClinVar variation 672956 (VCV000672956.2), dbSNP rs2275860, ClinGen allele CA35423029.

ClinVar aggregate classification (germline): Benign. Review status: criteria provided, multiple submitters, no conflicts (2 of 4 stars). 2 submissions from 2 submitters: Benign (2). Last evaluated 2018-06-14.

Allele frequency attached by ClinVar (database versions not stated): 1000 Genomes Project 30x 0.06121; 1000 Genomes Project 0.06310; gnomAD 0.08026 and 0.08115; TOPMed 0.08043.
gnomAD v4.1: 12,224 of 152,270 alleles (8%); highest among the groups gnomAD compares: Non-Finnish European, 9.9%; 521 homozygotes.

Submissions (2):

GeneDx
Classification: Benign. Last evaluated: 2018-06-14. Review status: criteria provided, single submitter. Criteria: GeneDx Variant Classification (06012015). Collection method: clinical testing. Allele origin: germline. Affected: yes.
Comment: This variant is considered likely benign or benign based on one or more of the following criteria: it is a conservative change, it occurs at a poorly conserved position in the protein, it is predicted to be benign by multiple in silico algorithms, and/or has population frequency not consistent with disease.

Breakthrough Genomics
Classification: Benign. Review status: criteria provided, single submitter. Criteria: ACMG Guidelines, 2015. Collection method: not provided. Allele origin: germline. Inheritance: Autosomal dominant inheritance. Affected: yes.